The following is an entry in ClinVar:

ClinVar aggregate classification (germline): Uncertain significance (1 of 4 stars; one submission).

gnomAD v4.1: 25 of 1,608,968 alleles (0.0016%); highest among the groups gnomAD compares: Non-Finnish European, 0.002%; no homozygotes.

Submission:

CeGaT Center for Human Genetics Tuebingen
Classification: Uncertain significance. Last evaluated: 2026-06-01. Review status: criteria provided, single submitter. Criteria: CeGaT Center For Human Genetics Tuebingen Variant Classification Criteria Version 2. Collection method: clinical testing. Allele origin: germline. Affected: yes. Observed: 1 variant allele.
Comment: VWA1: PM2

NM_022834.5(VWA1):c.302T>G (p.Val101Gly)

Gene: VWA1 (von Willebrand factor A domain containing 1; plus strand). Cytogenetic location: 1p36.33.
Variant type: single nucleotide variant.
Coding change: c.302T>G on transcript NM_022834.5 (MANE Select); coding-DNA position 302, T replaced by G.
Protein change: p.Val101Gly; replaces valine 101 with glycine.
Molecular consequence: missense variant. On other transcripts: intron variant (1).
Genome position (GRCh38, 1-based): chr1:1,437,155, T>G. VCF-style: chr1-1437155-T-G. GRCh37 (hg19) VCF-style: chr1-1372535-T-G.
Other names: c.74-167T>G (NM_199121.3); short protein forms V101G.
Identifiers: ClinVar variation 4875232 (VCV004875232.2).